The following is an entry in ClinVar:

NM_016203.4(PRKAG2):c.593C>G (p.Pro198Arg)

Gene: PRKAG2 (protein kinase AMP-activated non-catalytic subunit gamma 2; minus strand). Cytogenetic location: 7q36.1.
Variant type: single nucleotide variant.
Coding change: c.593C>G on transcript NM_016203.4 (MANE Select); coding-DNA position 593, C replaced by G.
Protein change: p.Pro198Arg; replaces proline 198 with arginine.
Molecular consequence: missense variant.
Genome position (GRCh38, 1-based): chr7:151,675,511, G>C on the plus strand (C>G on the coding strand, the complement: PRKAG2 is on the minus strand). VCF-style: chr7-151675511-G-C. GRCh37 (hg19) VCF-style: chr7-151372597-G-C.
Other names: c.461C>G, p.Pro154Arg (NM_001040633.2); c.221C>G, p.Pro74Arg (NM_001304527.2, NM_001363698.2); short protein forms P154R, P198R, P74R.
Identifiers: ClinVar variation 850568 (VCV000850568.19), dbSNP rs41317142, ClinGen allele CA057629.

ClinVar aggregate classification (germline): Conflicting classifications of pathogenicity. Review status: criteria provided, conflicting classifications (1 of 4 stars). 4 submissions from 4 submitters: Uncertain significance (1); Likely benign (3). Last evaluated 2024-11-16.

Conditions:
Cardiovascular phenotype. Identifiers: MedGen CN230736.
Cardiomyopathy (CMYO). Also called: Cardiomyopathies. Identifiers: Orphanet 167848, MedGen C0878544, MONDO:0004994, HP:0001638. Inheritance: Various modes of inheritance.
Lethal congenital glycogen storage disease of heart. Also called: PHOSPHORYLASE KINASE DEFICIENCY OF HEART; GLYCOGEN STORAGE DISEASE OF HEART. Identifiers: Orphanet 439854, MedGen C1849813, MONDO:0009867, OMIM 261740.
Hypertrophic cardiomyopathy. Also called: HYPERTROPHIC MYOCARDIOPATHY. Identifiers: Orphanet 217569, MedGen C0007194, MeSH D002312, MONDO:0005045, HP:0001639.

Allele frequency attached by ClinVar (database versions not stated): TOPMed 0.00002.
gnomAD v4.1: 7 of 1,613,650 alleles (0.00043%); highest among the groups gnomAD compares: East Asian, 0.0067%; no homozygotes.

Submissions (4):

Labcorp Genetics (formerly Invitae), Labcorp
Classification: Likely benign for Lethal congenital glycogen storage disease of heart. Last evaluated: 2024-11-16. Review status: criteria provided, single submitter. Criteria: Invitae Variant Classification Sherloc (09022015). Collection method: clinical testing. Allele origin: germline.

All of Us Research Program, National Institutes of Health
Classification: Likely benign for Hypertrophic cardiomyopathy. Last evaluated: 2023-08-15. Review status: criteria provided, single submitter. Criteria: ACMG Guidelines, 2015. Collection method: clinical testing. Allele origin: germline. Inheritance: Autosomal dominant inheritance. Observed: 1 variant allele, 1 heterozygote.
Comment: This study involves interpretation of variants in research participants for the purpose of population health screening. Participant phenotype was not available at the time of variant classification. Additional details can be found in publication PMID: 35346344, PMCID: PMC8962531

Ambry Genetics
Classification: Uncertain significance for Cardiovascular phenotype. Last evaluated: 2022-05-27. Review status: criteria provided, single submitter. Criteria: Ambry Variant Classification Scheme 2023. Collection method: clinical testing. Allele origin: germline.
Comment: The p.P198R variant (also known as c.593C>G), located in coding exon 4 of the PRKAG2 gene, results from a C to G substitution at nucleotide position 593. The proline at codon 198 is replaced by arginine, an amino acid with dissimilar properties. This variant was described in three individuals from a PRKAG2 study, at least some of whom had related cardiac findings but details were limited (Lopez-Sainz A et al. J Am Coll Cardiol, 2020 07;76:186-197). This variant was also reported as de novo in one individual from a neurodevelopmental cohort; however, cardiac phenotype was not provided, and this individual had additional de novo variants detected (Turner TN et al. Am J Hum Genet, 2019 12;105:1274-1285). This amino acid position is highly conserved in available vertebrate species. In addition, the in silico prediction for this alteration is inconclusive. Since supporting evidence is limited at this time, the clinical significance of this alteration remains unclear.

Color Diagnostics, LLC DBA Color Health
Classification: Likely benign for Cardiomyopathy. Last evaluated: 2019-12-09. Review status: criteria provided, single submitter. Criteria: ACMG Guidelines, 2015. Collection method: clinical testing. Allele origin: germline.

Literature cited by the submitters: PubMed 28707430 (cited by Ambry Genetics); PubMed 31785789 (cited by Ambry Genetics); PubMed 32646569 (cited by Ambry Genetics).